The following is an entry in ClinVar:

NM_000257.4(MYH7):c.1541G>C (p.Gly514Ala)

Gene: MYH7 (myosin heavy chain 7; minus strand). Cytogenetic location: 14q11.2.
Variant type: single nucleotide variant.
Coding change: c.1541G>C on transcript NM_000257.4 (MANE Select); coding-DNA position 1541, G replaced by C.
Protein change: p.Gly514Ala; replaces glycine 514 with alanine.
Molecular consequence: missense variant.
Genome position (GRCh38, 1-based): chr14:23,428,537, C>G on the plus strand (G>C on the coding strand, the complement: MYH7 is on the minus strand). VCF-style: chr14-23428537-C-G. GRCh37 (hg19) VCF-style: chr14-23897746-C-G.
Other names: short protein forms G514A.
Identifiers: ClinVar variation 1008274 (VCV001008274.8), dbSNP rs397516111, ClinGen allele CA389050362.

ClinVar aggregate classification (germline): Uncertain significance (1 of 4 stars; one submission).

Conditions:
Hypertrophic cardiomyopathy. Also called: HYPERTROPHIC MYOCARDIOPATHY. Identifiers: Orphanet 217569, MedGen C0007194, MeSH D002312, MONDO:0005045, HP:0001639.

Submission:

Labcorp Genetics (formerly Invitae), Labcorp
Classification: Uncertain significance for Hypertrophic cardiomyopathy. Last evaluated: 2022-02-04. Review status: criteria provided, single submitter. Criteria: Invitae Variant Classification Sherloc (09022015). Collection method: clinical testing. Allele origin: germline.
Comment: Algorithms developed to predict the effect of missense changes on protein structure and function (SIFT, PolyPhen-2, Align-GVGD) all suggest that this variant is likely to be disruptive. This sequence change replaces glycine, which is neutral and non-polar, with alanine, which is neutral and non-polar, at codon 514 of the MYH7 protein (p.Gly514Ala). This variant is not present in population databases (gnomAD no frequency). This variant has not been reported in the literature in individuals affected with MYH7-related conditions. ClinVar contains an entry for this variant (Variation ID: 1008274). In summary, the available evidence is currently insufficient to determine the role of this variant in disease. Therefore, it has been classified as a Variant of Uncertain Significance.